The following is an entry in ClinVar:

ClinVar aggregate classification (germline): Uncertain significance (1 of 4 stars; one submission).

Allele frequency attached by ClinVar (database versions not stated): gnomAD exomes 0.00001; ExAC 0.00005.
gnomAD v4.1: 19 of 1,614,214 alleles (0.0012%); highest among the groups gnomAD compares: East Asian, 0.038%; no homozygotes.

Submission:

Ambry Genetics
Classification: Uncertain significance. Last evaluated: 2023-12-14. Review status: criteria provided, single submitter. Criteria: Ambry Variant Classification Scheme 2023. Collection method: clinical testing. Allele origin: germline.
Comment: The p.M487V variant (also known as c.1459A>G), located in coding exon 3 of the ALPK2 gene, results from an A to G substitution at nucleotide position 1459. The methionine at codon 487 is replaced by valine, an amino acid with highly similar properties. This amino acid position is conserved. In addition, this alteration is predicted to be tolerated by in silico analysis. Since supporting evidence is limited at this time, the clinical significance of this alteration remains unclear.

NM_052947.4(ALPK2):c.1459A>G (p.Met487Val)

Gene: ALPK2 (alpha kinase 2; minus strand). Cytogenetic location: 18q21.31.
Variant type: single nucleotide variant.
Coding change: c.1459A>G on transcript NM_052947.4 (MANE Select); coding-DNA position 1459, A replaced by G.
Protein change: p.Met487Val; replaces methionine 487 with valine.
Molecular consequence: missense variant.
Genome position (GRCh38, 1-based): chr18:58,579,317, T>C on the plus strand (A>G on the coding strand, the complement: ALPK2 is on the minus strand). VCF-style: chr18-58579317-T-C. GRCh37 (hg19) VCF-style: chr18-56246549-T-C.
Other names: short protein forms M487V.
Identifiers: ClinVar variation 1773099 (VCV001773099.2), dbSNP rs779547094, ClinGen allele CA8977251.